The following is an entry in ClinVar:

NM_003073.5(SMARCB1):c.69C>G (p.Gly23=)

Gene: SMARCB1 (SWI/SNF related BAF chromatin remodeling complex subunit B1; plus strand). Cytogenetic location: 22q11.23.
Variant type: single nucleotide variant.
Coding change: c.69C>G on transcript NM_003073.5 (MANE Select); coding-DNA position 69, C replaced by G.
Protein change: p.Gly23=; no amino-acid change (glycine 23 retained).
Molecular consequence: synonymous variant.
Genome position (GRCh38, 1-based): chr22:23,787,238, C>G. VCF-style: chr22-23787238-C-G. GRCh37 (hg19) VCF-style: chr22-24129425-C-G.
Other names: c.69C>G, p.Gly23= (NM_001007468.3, NM_001317946.2, NM_001362877.2); c.69C>G (LRG_520t1).
Identifiers: ClinVar variation 464335 (VCV000464335.23), dbSNP rs769604673, ClinGen allele CA10145820.
Genomic context (GRCh38, chr22:23,787,238, plus strand): 5'-GATGGCGCTGAGCAAGACCTTCGGGCAGAAGCCCGTGAAGTTCCAGCTGGAGGACGACGG[C>G]GAGTTCTACATGATCGGCTCCGAGGTAGCCCGGGGCGCGTTCTCGCCCTCCCCGGGCTCG-3'
Protein context (NP_003064.2, residues 13-33): KPVKFQLEDD[Gly23=]EFYMIGSEVG

ClinVar aggregate classification (germline): Likely benign. Review status: criteria provided, multiple submitters, no conflicts (2 of 4 stars). 3 submissions from 3 submitters: Likely benign (3). Last evaluated 2026-01-19.

Conditions:
Hereditary cancer-predisposing syndrome. Also called: Hereditary neoplastic syndrome; Neoplastic Syndromes, Hereditary; Hereditary Cancer Syndrome; Tumor predisposition. Identifiers: Orphanet 140162, MedGen C0027672, MeSH D009386, MONDO:0015356.

Allele frequency attached by ClinVar (database versions not stated): gnomAD 0.00001 and 0.00002; TOPMed 0.00002; ExAC 0.00003; gnomAD exomes 0.00003.
gnomAD v4.1: 38 of 1,605,508 alleles (0.0024%); highest among the groups gnomAD compares: East Asian, 0.083%; no homozygotes.

Submissions (3):

Labcorp Genetics (formerly Invitae), Labcorp
Classification: Likely benign. Last evaluated: 2026-01-19. Review status: criteria provided, single submitter. Criteria: Invitae Variant Classification Sherloc (09022015). Collection method: clinical testing. Allele origin: germline.

CeGaT Center for Human Genetics Tuebingen
Classification: Likely benign. Last evaluated: 2025-03-01. Review status: criteria provided, single submitter. Criteria: CeGaT Center For Human Genetics Tuebingen Variant Classification Criteria Version 2. Collection method: clinical testing. Allele origin: germline. Affected: yes. Observed: 1 variant allele.
Comment: SMARCB1: BP4, BP7

Ambry Genetics
Classification: Likely benign for Hereditary cancer-predisposing syndrome. Last evaluated: 2017-10-05. Review status: criteria provided, single submitter. Criteria: Ambry Variant Classification Scheme 2023. Collection method: clinical testing. Allele origin: germline.